The following is an entry in ClinVar:

NM_001042492.3(NF1):c.2870A>T (p.Asn957Ile)

Gene: NF1 (neurofibromin 1; plus strand). Cytogenetic location: 17q11.2.
Variant type: single nucleotide variant.
Coding change: c.2870A>T on transcript NM_001042492.3 (MANE Select); coding-DNA position 2870, A replaced by T.
Protein change: p.Asn957Ile; replaces asparagine 957 with isoleucine.
Molecular consequence: missense variant.
Genome position (GRCh38, 1-based): chr17:31,229,854, A>T. VCF-style: chr17-31229854-A-T. GRCh37 (hg19) VCF-style: chr17-29556872-A-T.
Other names: c.2870A>T, p.Asn957Ile (NM_000267.4); short protein forms N957I.
Identifiers: ClinVar variation 431611 (VCV000431611.7), dbSNP rs1135402834, ClinGen allele CA398986020.
Genomic context (GRCh38, chr17:31,229,854, plus strand): 5'-GCATTGATGGCAAATCATTAATGTATTTGTTCTTTCTTTAGGTTTTATTGACTGATACCA[A>T]TACTCAATTTGTAGAACAAACCATAGCTATAATGAAGAACTTGCTAGATAATCATACTGA-3'
Protein context (NP_001035957.1, residues 947-967): SQGQVLLTDT[Asn957Ile]TQFVEQTIAI

ClinVar aggregate classification (germline): Pathogenic/Likely pathogenic. Review status: criteria provided, multiple submitters, no conflicts (2 of 4 stars). 2 submissions from 2 submitters: Pathogenic (1); Likely pathogenic (1). Last evaluated 2022-08-17.

Conditions:
Neurofibromatosis, type 1 (NF1). Also called: Neurofibromatosis, type I; NEUROFIBROMATOSIS, TYPE I, SOMATIC; Peripheral type neurofibromatosis; VON RECKLINGHAUSEN DISEASE. Identifiers: Orphanet 636, MedGen C0027831, MONDO:0018975, OMIM 162200. Disease mechanism: loss of function.

Allele frequency attached by ClinVar (database versions not stated): gnomAD exomes below 0.00001.
gnomAD v4.1: 1 of 1,611,818 alleles (0.000062%); highest among the groups gnomAD compares: Non-Finnish European, 0.000085%; no homozygotes.

Submissions (2):

Medical Genetics, University of Parma
Classification: Likely pathogenic for Neurofibromatosis, type 1. Last evaluated: 2022-08-17. Review status: criteria provided, single submitter. Criteria: ACMG Guidelines, 2015. Collection method: clinical testing. Allele origin: germline. Inheritance: Autosomal dominant inheritance. Affected: yes.

Labcorp Genetics (formerly Invitae), Labcorp
Classification: Pathogenic for Neurofibromatosis, type 1. Last evaluated: 2021-12-02. Review status: criteria provided, single submitter. Criteria: Invitae Variant Classification Sherloc (09022015). Collection method: clinical testing. Allele origin: germline.
Comment: This sequence change replaces asparagine, which is neutral and polar, with isoleucine, which is neutral and non-polar, at codon 957 of the NF1 protein (p.Asn957Ile). This variant is not present in population databases (gnomAD no frequency). This missense change has been observed in individual(s) with neurofibromatosis type 1 (PMID: 27322474; Invitae). In at least one individual the variant was observed to be de novo. ClinVar contains an entry for this variant (Variation ID: 431611). Advanced modeling of protein sequence and biophysical properties (such as structural, functional, and spatial information, amino acid conservation, physicochemical variation, residue mobility, and thermodynamic stability) performed at Invitae indicates that this missense variant is expected to disrupt NF1 protein function. For these reasons, this variant has been classified as Pathogenic.

Literature cited by the submitters: PubMed 27322474 (cited by Labcorp Genetics (formerly Invitae), Labcorp).